The following is an entry in ClinVar:

NM_005629.4(SLC6A8):c.1767+6G>C

Gene: SLC6A8 (solute carrier family 6 member 8; plus strand). Cytogenetic location: Xq28.
Variant type: single nucleotide variant.
Coding change: c.1767+6G>C on transcript NM_005629.4 (MANE Select); 6 bases into the intron after coding-DNA position 1767, G replaced by C.
Molecular consequence: intron variant.
Genome position (GRCh38, 1-based): chrX:153,694,895, G>C. VCF-style: chrX-153694895-G-C. GRCh37 (hg19) VCF-style: chrX-152960350-G-C.
Other names: c.1737+6G>C (NM_001142805.2); c.1422+6G>C (NM_001142806.1).
Identifiers: ClinVar variation 2882181 (VCV002882181.3), dbSNP rs2522170425, ClinGen allele CA2695040034.

ClinVar aggregate classification (germline): Uncertain significance (1 of 4 stars; one submission).

Conditions:
Creatine transporter deficiency (CCDS1). Also called: CEREBRAL CREATINE DEFICIENCY SYNDROME 1; Creatine Transporter (CRTR) Deficiency; Mental retardation , X-linked with seizures, short stature and midface hypoplasia; Mental retardation , X-linked, with creatine transport deficiency; X-linked creatine transporter deficiency; X-linked creatine deficiency syndrome. Identifiers: Orphanet 52503, MedGen C1845862, MONDO:0010305, OMIM 300352.

Allele frequency attached by ClinVar (database versions not stated): gnomAD exomes below 0.00001.
gnomAD v4.1: 1 of 1,166,172 alleles (0.000086%); highest among the groups gnomAD compares: South Asian, 0.0019%; no homozygotes.

Submission:

Labcorp Genetics (formerly Invitae), Labcorp
Classification: Uncertain significance for Creatine transporter deficiency. Last evaluated: 2023-04-18. Review status: criteria provided, single submitter. Criteria: Invitae Variant Classification Sherloc (09022015). Collection method: clinical testing. Allele origin: germline.
Comment: This sequence change falls in intron 12 of the SLC6A8 gene. It does not directly change the encoded amino acid sequence of the SLC6A8 protein. It affects a nucleotide within the consensus splice site. In summary, the available evidence is currently insufficient to determine the role of this variant in disease. Therefore, it has been classified as a Variant of Uncertain Significance. Variants that disrupt the consensus splice site are a relatively common cause of aberrant splicing (PMID: 17576681, 9536098). Algorithms developed to predict the effect of sequence changes on RNA splicing suggest that this variant is not likely to affect RNA splicing. This variant has not been reported in the literature in individuals affected with SLC6A8-related conditions. This variant is not present in population databases (gnomAD no frequency).

Literature cited by the submitters: PubMed 17576681; PubMed 9536098.